The following is an entry in ClinVar:

NM_000350.3(ABCA4):c.859-501G>A

Gene: ABCA4 (ATP binding cassette subfamily A member 4; minus strand). Cytogenetic location: 1p22.1.
Variant type: single nucleotide variant.
Coding change: c.859-501G>A on transcript NM_000350.3 (MANE Select); 501 bases into the intron before coding-DNA position 859, G replaced by A.
Molecular consequence: intron variant.
Genome position (GRCh38, 1-based): chr1:94,081,219, C>T on the plus strand (G>A on the coding strand, the complement: ABCA4 is on the minus strand). VCF-style: chr1-94081219-C-T. GRCh37 (hg19) VCF-style: chr1-94546775-C-T.
Other names: c.859-501G>A (NM_001425324.1).
Identifiers: ClinVar variation 4990338 (VCV004990338.1).
Genomic context (GRCh38, chr1:94,081,219, plus strand): 5'-AGCTTACAGTGAGTAGACATCGTGCCACTGCACTCCAGCCTGGGCGACTGAGCAATACTC[C>T]GTCTCAAAACAACAACAACAACAACAACAAATCACAGAGTGACCCCTAGAGCACTGTAGT-3'

ClinVar aggregate classification (germline): Likely benign (1 of 4 stars; one submission).

Conditions:
ABCA4-related disorder. Also called: ABCA4-related disorders; ABCA4-related condition. Identifiers: MedGen CN239167.

gnomAD v4.1: 4 of 151,876 alleles (0.0026%); highest among the groups gnomAD compares: African/African-American, 0.0073%; no homozygotes.

Submission:

PreventionGenetics, part of Exact Sciences
Classification: Likely benign for ABCA4-related condition. Last evaluated: 2026-09-11. Review status: criteria provided, single submitter. Criteria: ACMG Guidelines, 2015. Collection method: clinical testing. Allele origin: germline.
Comment: This variant is classified as likely benign based on ACMG/AMP sequence variant interpretation guidelines (Richards et al. 2015 PMID: 25741868, with internal and published modifications).